The following is an entry in ClinVar:

ClinVar aggregate classification (germline): Uncertain significance (1 of 4 stars; one submission).

Allele frequency attached by ClinVar (database versions not stated): ExAC 0.00001; gnomAD exomes 0.00001; gnomAD 0.00002; TOPMed 0.00002.
gnomAD v4.1: 20 of 1,614,082 alleles (0.0012%); highest among the groups gnomAD compares: East Asian, 0.0045%; no homozygotes.

Submission:

Labcorp Genetics (formerly Invitae), Labcorp
Classification: Uncertain significance. Last evaluated: 2023-10-02. Review status: criteria provided, single submitter. Criteria: Invitae Variant Classification Sherloc (09022015). Collection method: clinical testing. Allele origin: germline.
Comment: This sequence change replaces proline, which is neutral and non-polar, with leucine, which is neutral and non-polar, at codon 475 of the TECTA protein (p.Pro475Leu). In summary, the available evidence is currently insufficient to determine the role of this variant in disease. Therefore, it has been classified as a Variant of Uncertain Significance. Advanced modeling of protein sequence and biophysical properties (such as structural, functional, and spatial information, amino acid conservation, physicochemical variation, residue mobility, and thermodynamic stability) performed at Invitae indicates that this missense variant is not expected to disrupt TECTA protein function. This variant has not been reported in the literature in individuals affected with TECTA-related conditions. This variant is present in population databases (rs758423137, gnomAD 0.004%).

NM_005422.4(TECTA):c.1424C>T (p.Pro475Leu)

Genes: TBCEL-TECTA (TBCEL-TECTA readthrough; plus strand), TECTA (tectorin alpha; plus strand). Cytogenetic location: 11q23.3.
Variant type: single nucleotide variant.
Coding change: c.1424C>T on transcript NM_005422.4 (MANE Select); coding-DNA position 1424, C replaced by T.
Protein change: p.Pro475Leu; replaces proline 475 with leucine.
Molecular consequence: missense variant.
Genome position (GRCh38, 1-based): chr11:121,125,522, C>T. VCF-style: chr11-121125522-C-T. GRCh37 (hg19) VCF-style: chr11-120996231-C-T.
Other names: c.2381C>T, p.Pro794Leu (NM_001378761.1); short protein forms P475L, P794L.
Identifiers: ClinVar variation 2906559 (VCV002906559.3), dbSNP rs758423137, ClinGen allele CA6326744.